The following is an entry in ClinVar:

ClinVar aggregate classification (germline): Uncertain significance. Review status: criteria provided, multiple submitters, no conflicts (2 of 4 stars). 3 submissions from 3 submitters: Uncertain significance (3). Last evaluated 2025-10-24.

Conditions:
Familial encephalopathy with neuroserpin inclusion bodies. Also called: ENCEPHALOPATHY, FAMILIAL, WITH COLLINS BODIES. Identifiers: Orphanet 85110, MedGen C1858680, MONDO:0011412, OMIM 604218.

Allele frequency attached by ClinVar (database versions not stated): gnomAD 0.00001; TOPMed 0.00002.
gnomAD v4.1: 24 of 1,610,414 alleles (0.0015%); highest among the groups gnomAD compares: Admixed American, 0.013%; no homozygotes.

Submissions (3):

Labcorp Genetics (formerly Invitae), Labcorp
Classification: Uncertain significance for Familial encephalopathy with neuroserpin inclusion bodies. Last evaluated: 2025-10-24. Review status: criteria provided, single submitter. Criteria: Invitae Variant Classification Sherloc (09022015). Collection method: clinical testing. Allele origin: germline.
Comment: This sequence change replaces asparagine, which is neutral and polar, with aspartic acid, which is acidic and polar, at codon 345 of the SERPINI1 protein (p.Asn345Asp). This variant is present in population databases (rs200482511, gnomAD 0.02%). This variant has not been reported in the literature in individuals affected with SERPINI1-related conditions. ClinVar contains an entry for this variant (Variation ID: 952532). Invitae Evidence Modeling of protein sequence and biophysical properties (such as structural, functional, and spatial information, amino acid conservation, physicochemical variation, residue mobility, and thermodynamic stability) indicates that this missense variant is not expected to disrupt SERPINI1 protein function with a negative predictive value of 80%. In summary, the available evidence is currently insufficient to determine the role of this variant in disease. Therefore, it has been classified as a Variant of Uncertain Significance.

Mayo Clinic Laboratories, Mayo Clinic
Classification: Uncertain significance. Last evaluated: 2025-04-02. Review status: criteria provided, single submitter. Criteria: ACMG Guidelines, 2015. Collection method: clinical testing. Allele origin: germline. Observed: 1 variant allele.

Athena Diagnostics
Classification: Uncertain significance. Last evaluated: 2024-06-13. Review status: criteria provided, single submitter. Criteria: Athena Diagnostics Criteria. Collection method: clinical testing. Allele origin: unknown.
Comment: Available data are insufficient to determine the clinical significance of the variant at this time. The frequency of this variant in the general population is higher than would generally be expected for pathogenic variants in this gene. Polyphen and MutationTaster yielded discordant predictions regarding whether this amino acid change is damaging to the protein.

NM_001122752.2(SERPINI1):c.1033A>G (p.Asn345Asp)

Gene: SERPINI1 (serpin family I member 1; plus strand). Cytogenetic location: 3q26.1.
Variant type: single nucleotide variant.
Coding change: c.1033A>G on transcript NM_001122752.2 (MANE Select); coding-DNA position 1033, A replaced by G.
Protein change: p.Asn345Asp; replaces asparagine 345 with aspartic acid.
Molecular consequence: missense variant.
Genome position (GRCh38, 1-based): chr3:167,823,039, A>G. VCF-style: chr3-167823039-A-G. GRCh37 (hg19) VCF-style: chr3-167540827-A-G.
Other names: p.Asn345Asp; c.1033A>G, p.Asn345Asp (NM_005025.5); short protein forms N345D.
Identifiers: ClinVar variation 952532 (VCV000952532.9), dbSNP rs200482511, ClinGen allele CA2694963.